The following is an entry in ClinVar:

ClinVar aggregate classification (germline): Likely pathogenic (1 of 4 stars; one submission).

Conditions:
Familial cancer of breast. Also called: BREAST CANCER, FAMILIAL; Hereditary breast cancer; hereditary breast carcinoma. Identifiers: Orphanet 227535, MedGen C0346153, MONDO:0016419, OMIM 114480. Disease mechanism: loss of function.

Submission:

Labcorp Genetics (formerly Invitae), Labcorp
Classification: Likely pathogenic for Familial cancer of breast. Last evaluated: 2018-01-09. Review status: criteria provided, single submitter. Criteria: Invitae Variant Classification Sherloc (09022015). Collection method: clinical testing. Allele origin: germline.
Comment: This variant is a gross duplication of the genomic region encompassing exons 6-7 of the CHEK2 gene. While the exact position of the duplicated exons cannot be determined from this data, sub-genic duplications are generally in tandem (PMID: 25640679) and may result in an absent or disrupted protein product. This variant has not been reported in the literature in individuals with CHEK2-related disease. Loss-of-function variants in CHEK2 are known to be pathogenic (PMID: 21876083, 24713400). In summary, the currently available evidence indicates that the variant is pathogenic, but additional data are needed to prove that conclusively. Therefore, this variant has been classified as Likely Pathogenic.

NC_000022.10:g.(?_29105988)_(29108011_?)dup

Gene: CHEK2 (checkpoint kinase 2; minus strand). Cytogenetic location: 22q12.1.
Variant type: Duplication.
Identifiers: ClinVar variation 530264 (VCV000530264.2).